The following is an entry in ClinVar:

ClinVar aggregate classification (germline): Likely benign (0 of 4 stars; one submission).

Conditions:
DNMT1-related disorder. Also called: DNMT1-related condition. Identifiers: MedGen CN381527.

Submission:

PreventionGenetics, part of Exact Sciences
Classification: Likely benign for DNMT1-related condition. Last evaluated: 2024-03-31. Review status: no assertion criteria provided. Collection method: clinical testing. Allele origin: germline.
Comment: This variant is classified as likely benign based on ACMG/AMP sequence variant interpretation guidelines (Richards et al. 2015 PMID: 25741868, with internal and published modifications).

NM_001130823.3(DNMT1):c.494-6A>C

Gene: DNMT1 (DNA methyltransferase 1; minus strand). Cytogenetic location: 19p13.2.
Variant type: single nucleotide variant.
Coding change: c.494-6A>C on transcript NM_001130823.3 (MANE Select); 6 bases into the intron before coding-DNA position 494, A replaced by C.
Molecular consequence: intron variant.
Genome position (GRCh38, 1-based): chr19:10,177,373, T>G on the plus strand (A>C on the coding strand, the complement: DNMT1 is on the minus strand). VCF-style: chr19-10177373-T-G. GRCh37 (hg19) VCF-style: chr19-10288049-T-G.
Other names: c.131-6A>C (NM_001318731.2); c.446-6A>C (NM_001379.4, NM_001318730.2).
Identifiers: ClinVar variation 3348523 (VCV003348523.1).